The following is an entry in ClinVar:

NM_001384125.1(BLTP1):c.7549A>T (p.Thr2517Ser)

Gene: BLTP1 (bridge-like lipid transfer protein family member 1; plus strand). Cytogenetic location: 4q27.
Variant type: single nucleotide variant.
Coding change: c.7549A>T on transcript NM_001384125.1 (MANE Select); coding-DNA position 7549, A replaced by T.
Protein change: p.Thr2517Ser; replaces threonine 2517 with serine.
Molecular consequence: missense variant.
Genome position (GRCh38, 1-based): chr4:122,271,073, A>T. VCF-style: chr4-122271073-A-T. GRCh37 (hg19) VCF-style: chr4-123192228-A-T.
Other names: c.7549A>T, p.Thr2517Ser (NM_015312.4); short protein forms T2517S.
Identifiers: ClinVar variation 4845257 (VCV004845257.1), dbSNP rs148822396.

ClinVar aggregate classification (germline): Uncertain significance (0 of 4 stars; one submission).

gnomAD v4.1: 84 of 1,613,720 alleles (0.0052%); highest among the groups gnomAD compares: East Asian, 0.018%; 1 homozygote.

Submission:

Diagnostics Centre, Carl Von Ossietzky University Oldenburg
Classification: Uncertain significance. Last evaluated: 2025-07-16. Review status: no assertion criteria provided. Collection method: clinical testing. Allele origin: germline. Affected: yes. Observed: 1 variant allele.
Comment: The variant BLTP1:c.7549A>T p.(Thr2517Ser), results from a adenine-to-thymine substitution at nucleotide position c.7549. The threonine at protein position 2517 is replaced by a serine. Missense variants in this gene or the affected region are a known disease mechanism and are rare in the general population. The affected protein region has significant levels of missense constrain. The variant has not yet been described in ClinVar or in any publications known to us. The variant is classified as rare in the general population (MAF 5.2 * e-5 in gnomAD v4.1.0). In summary, the variant is classified as variant of uncertain significance.